The following is an entry in ClinVar:

NM_002340.6(LSS):c.846C>T (p.Pro282=)

Gene: LSS (lanosterol synthase; minus strand). Cytogenetic location: 21q22.3.
Variant type: single nucleotide variant.
Coding change: c.846C>T on transcript NM_002340.6 (MANE Select); coding-DNA position 846, C replaced by T.
Protein change: p.Pro282=; no amino-acid change (proline 282 retained).
Molecular consequence: synonymous variant.
Genome position (GRCh38, 1-based): chr21:46,215,731, G>A on the plus strand (C>T on the coding strand, the complement: LSS is on the minus strand). VCF-style: chr21-46215731-G-A. GRCh37 (hg19) VCF-style: chr21-47635645-G-A.
Other names: c.846C>T, p.Pro282= (NM_001001438.3); c.813C>T, p.Pro271= (NM_001145436.2); c.606C>T, p.Pro202= (NM_001145437.2).
Identifiers: ClinVar variation 770674 (VCV000770674.12), dbSNP rs114975335, ClinGen allele CA10075300.

ClinVar aggregate classification (germline): Benign/Likely benign. Review status: criteria provided, multiple submitters, no conflicts (2 of 4 stars). 3 submissions from 3 submitters: Benign (2); Likely benign (1). Last evaluated 2025-12-25.

Allele frequency attached by ClinVar (database versions not stated): 1000 Genomes Project 0.00839; ExAC 0.00320; 1000 Genomes Project 30x 0.00937; TOPMed 0.01012; gnomAD exomes 0.00227; gnomAD 0.00933 and 0.01008; ESP Exome Variant Server 0.01107.
gnomAD v4.1: 2,883 of 1,612,450 alleles (0.18%); highest among the groups gnomAD compares: African/African-American, 3.1%; 37 homozygotes.

Submissions (3):

Labcorp Genetics (formerly Invitae), Labcorp
Classification: Benign. Last evaluated: 2025-12-25. Review status: criteria provided, single submitter. Criteria: Invitae Variant Classification Sherloc (09022015). Collection method: clinical testing. Allele origin: germline.

GeneDx
Classification: Likely benign. Last evaluated: 2022-01-11. Review status: criteria provided, single submitter. Criteria: GeneDx Variant Classification Process June 2021. Collection method: clinical testing. Allele origin: germline. Affected: yes.
Comment: See Variant Classification Assertion Criteria.

Breakthrough Genomics
Classification: Benign. Review status: criteria provided, single submitter. Criteria: ACMG Guidelines, 2015. Collection method: not provided. Allele origin: germline. Inheritance: Autosomal recessive inheritance. Affected: yes.